The following is an entry in ClinVar:

NM_014714.4(IFT140):c.169del (p.His57fs)

Genes: IFT140 (intraflagellar transport 140; minus strand), LOC105371046 (uncharacterized LOC105371046; plus strand). Cytogenetic location: 16p13.3.
Variant type: Deletion.
Coding change: c.169del on transcript NM_014714.4 (MANE Select); coding-DNA position 169, one base deleted (C; older notation c.169delC).
Protein change: p.His57fs; shifts the reading frame from histidine 57.
Molecular consequence: frameshift variant.
Genome position (GRCh38, 1-based): chr16:1,602,570, G deleted on the plus strand (C on the coding strand, the reverse complement: IFT140 is on the minus strand). VCF-style (leftmost placement, unchanged base first): chr16-1602569-TG-T. GRCh37 (hg19) VCF-style: chr16-1652570-TG-T.
Other names: short protein forms H57fs.
Identifiers: ClinVar variation 2027672 (VCV002027672.4), dbSNP rs2508572306, ClinGen allele CA2580090462.

ClinVar aggregate classification (germline): Pathogenic (1 of 4 stars; one submission).

Conditions:
Saldino-Mainzer syndrome (SRTD9). Also called: CONORENAL SYNDROME; Renal dysplasia, retinal pigmentary dystrophy, cerebellar ataxia and skeletal dysplasia; SHORT-RIB THORACIC DYSPLASIA 9 WITHOUT POLYDACTYLY; short-rib thoracic dysplasia 9 with or without polydactyly. Identifiers: Orphanet 140969, MedGen C1849437, MONDO:0009964, OMIM 266920.

Submission:

Labcorp Genetics (formerly Invitae), Labcorp
Classification: Pathogenic for Saldino-Mainzer syndrome. Last evaluated: 2025-04-17. Review status: criteria provided, single submitter. Criteria: Invitae Variant Classification Sherloc (09022015). Collection method: clinical testing. Allele origin: germline.
Comment: This sequence change creates a premature translational stop signal (p.His57Thrfs*29) in the IFT140 gene. It is expected to result in an absent or disrupted protein product. Loss-of-function variants in IFT140 are known to be pathogenic (PMID: 22503633, 23418020, 24009529, 26216056). This variant is not present in population databases (gnomAD no frequency). This variant has not been reported in the literature in individuals affected with IFT140-related conditions. ClinVar contains an entry for this variant (Variation ID: 2027672). For these reasons, this variant has been classified as Pathogenic.

Literature cited by the submitters: PubMed 22503633; PubMed 23418020; PubMed 24009529; PubMed 26216056.